The following is an entry in ClinVar:

NM_007078.3(LDB3):c.46C>T (p.Arg16Cys)

Gene: LDB3 (LIM domain binding 3; plus strand). Cytogenetic location: 10q23.2.
Variant type: single nucleotide variant.
Coding change: c.46C>T on transcript NM_007078.3 (MANE Select); coding-DNA position 46, C replaced by T.
Protein change: p.Arg16Cys; replaces arginine 16 with cysteine.
Molecular consequence: missense variant.
Genome position (GRCh38, 1-based): chr10:86,668,737, C>T. VCF-style: chr10-86668737-C-T. GRCh37 (hg19) VCF-style: chr10-88428494-C-T.
Other names: c.46C>T, p.Arg16Cys (NM_001080114.2, NM_001080115.2, NM_001080116.1 and 8 more transcripts); short protein forms R16C.
Identifiers: ClinVar variation 2038578 (VCV002038578.4), dbSNP rs1844290057, ClinGen allele CA377448750.

ClinVar aggregate classification (germline): Uncertain significance (1 of 4 stars; one submission).

Conditions:
Myofibrillar myopathy 4. Also called: Zaspopathy (type). Identifiers: Orphanet 98912, MedGen C4721886, MONDO:0012277, OMIM 609452.

Submission:

Labcorp Genetics (formerly Invitae), Labcorp
Classification: Uncertain significance for Myofibrillar myopathy 4. Last evaluated: 2026-01-27. Review status: criteria provided, single submitter. Criteria: Invitae Variant Classification Sherloc (09022015). Collection method: clinical testing. Allele origin: germline.
Comment: This sequence change replaces arginine, which is basic and polar, with cysteine, which is neutral and slightly polar, at codon 16 of the LDB3 protein (p.Arg16Cys). This variant is not present in population databases (gnomAD no frequency). This variant has not been reported in the literature in individuals affected with LDB3-related conditions. ClinVar contains an entry for this variant (Variation ID: 2038578). An algorithm developed to predict the effect of missense changes on protein structure and function (PolyPhen-2) suggests that this variant is likely to be disruptive. In summary, the available evidence is currently insufficient to determine the role of this variant in disease. Therefore, it has been classified as a Variant of Uncertain Significance.